The following is an entry in ClinVar:

ClinVar aggregate classification (germline): Benign. Review status: criteria provided, multiple submitters, no conflicts (2 of 4 stars). 9 submissions from 9 submitters: Benign (5). 4 of the submissions do not count toward it. Last evaluated 2024-11-26.

Conditions:
Severe myoclonic epilepsy in infancy (DRVT). Also called: Epileptic encephalopathy, early infantile, 6 (Dravet syndrome); SEVERE MYOCLONIC EPILEPSY OF INFANCY; DEVELOPMENTAL AND EPILEPTIC ENCEPHALOPATHY 6A; Severe Myoclonic Epilepsy in Infancy (SMEI); Dravet syndrome. Identifiers: Orphanet 33069, MedGen C0751122, MONDO:0100135, OMIM 607208.
Developmental and epileptic encephalopathy 6B. Also called: Developmental and epileptic encephalopathy 6B, non-Dravet. Identifiers: MedGen C5543353, MONDO:0030268, OMIM 619317.
Migraine, familial hemiplegic, 3. Identifiers: Orphanet 569, MedGen C1864987, MONDO:0012320, OMIM 609634.
Generalized epilepsy with febrile seizures plus, type 2 (GEFSP2). Also called: GEFS+, TYPE 2. Identifiers: Orphanet 36387, MedGen C1858673, MONDO:0011461, OMIM 604403.

Submissions (9):

Blueprint Genetics
Classification: Benign. Last evaluated: 2024-11-26. Review status: criteria provided, single submitter. Criteria: ACMG Guidelines, 2015. Collection method: clinical testing. Allele origin: germline.

Unidad de Genómica Garrahan, Hospital de Pediatría Garrahan
Classification: Benign. Last evaluated: 2024-07-15. Review status: criteria provided, single submitter. Criteria: ACMG Guidelines, 2015. Collection method: clinical testing. Allele origin: germline. Affected: no. Observed: 58 variant alleles.
Comment: This variant is classified as Benign based on local population frequency. This variant was detected in 62% of patients studied in a panel designed for Epileptic and Developmental Encephalopathy and Progressive Myoclonus Epilepsy. Number of patients: 58. Only high quality variants are reported.

Fulgent Genetics
Classification: Benign for Generalized epilepsy with febrile seizures plus, type 2; Severe myoclonic epilepsy in infancy; Migraine, familial hemiplegic, 3; Developmental and epileptic encephalopathy 6B. Last evaluated: 2021-12-23. Review status: criteria provided, single submitter. Criteria: ACMG Guidelines, 2015. Collection method: clinical testing. Allele origin: unknown.

Mayo Clinic Laboratories, Mayo Clinic
Classification: Benign. Last evaluated: 2018-09-18. Review status: criteria provided, single submitter. Criteria: ACMG Guidelines, 2015. Collection method: clinical testing. Allele origin: germline. Observed: 716 variant alleles.

GeneDx
Classification: Benign. Last evaluated: 2015-03-03. Review status: criteria provided, single submitter. Criteria: GeneDx Variant Classification Process June 2021. Collection method: clinical testing. Allele origin: germline. Affected: yes.

Clinical Genetics DNA and cytogenetics Diagnostics Lab, Erasmus MC, Erasmus Medical Center
Classification: Benign. Review status: no assertion criteria provided. Collection method: clinical testing. Allele origin: germline. Affected: yes. Study: VKGL Data-share Consensus. Not counted in ClinVar's aggregate classification.

Diagnostic Laboratory, Department of Genetics, University Medical Center Groningen
Classification: Likely benign. Review status: no assertion criteria provided. Collection method: clinical testing. Allele origin: germline. Affected: yes. Study: VKGL Data-share Consensus. Not counted in ClinVar's aggregate classification.

Genome Diagnostics Laboratory, University Medical Center Utrecht
Classification: Likely benign. Review status: no assertion criteria provided. Collection method: clinical testing. Allele origin: germline. Affected: yes. Study: VKGL Data-share Consensus. Not counted in ClinVar's aggregate classification.

Laboratory of Diagnostic Genome Analysis, Leiden University Medical Center (LUMC)
Classification: Benign. Review status: no assertion criteria provided. Collection method: clinical testing. Allele origin: germline. Affected: yes. Study: VKGL Data-share Consensus. Not counted in ClinVar's aggregate classification.

NM_001165963.4(SCN1A):c.2177-11dup

Gene: SCN1A (sodium voltage-gated channel alpha subunit 1; minus strand). Cytogenetic location: 2q24.3.
Variant type: Duplication.
Coding change: c.2177-11dup on transcript NM_001165963.4 (MANE Select); 11 bases into the intron before coding-DNA position 2177, one base duplicated (T; older notation c.2177-11dupT).
Molecular consequence: intron variant.
Genome position (GRCh38, 1-based): chr2:166,041,480, A duplicated on the plus strand (T on the coding strand, the reverse complement: SCN1A is on the minus strand); the first of 14 consecutive A bases (chr2:166,041,480-166,041,493); duplicating any one gives the same sequence. VCF-style (leftmost placement, unchanged base first): chr2-166041479-G-GA. GRCh37 (hg19) VCF-style: chr2-166897989-G-GA.
Other names: p.?; c.2144-11dup (NM_001353949.2, NM_001353950.2, NM_001353951.2 and 2 more transcripts); c.2093-11dup (NM_001353958.2, NM_001353957.2, NM_001165964.3); c.2177-11dup (NM_001202435.3, NM_001353948.2); c.2141-11dup (NM_001353955.2, NM_001353954.2); c.2090-11dup (NM_001353960.2); c.-282-11dup (NM_001353961.2).
Identifiers: ClinVar variation 331890 (VCV000331890.17), dbSNP rs11394960, ClinGen allele CA1943160.
Genomic context (GRCh38, chr2:166,041,479, plus strand): 5'-TGGAAAATTTATACCAACAGGGTGGGCATTTCTGCCTGGATTCTTCAAGTTCTAGATTAA[G>GA]AAAAAAAAAAAAAAGAACCACCAAAAGGTATACTTTATACACACACATTTATTTCATATC-3'